The following is an entry in ClinVar:

NM_017780.4(CHD7):c.3157C>T (p.Arg1053Cys)

Gene: CHD7 (chromodomain helicase DNA binding protein 7; plus strand). Cytogenetic location: 8q12.2.
Variant type: single nucleotide variant.
Coding change: c.3157C>T on transcript NM_017780.4 (MANE Select); coding-DNA position 3157, C replaced by T.
Protein change: p.Arg1053Cys; replaces arginine 1053 with cysteine.
Molecular consequence: missense variant. On other transcripts: intron variant (1).
Genome position (GRCh38, 1-based): chr8:60,822,702, C>T. VCF-style: chr8-60822702-C-T. GRCh37 (hg19) VCF-style: chr8-61735261-C-T.
Other names: c.3157C>T (LRG_176t1); c.1717-39527C>T (NM_001316690.1); short protein forms R1053C.
Identifiers: ClinVar variation 420359 (VCV000420359.2), dbSNP rs1064794432, ClinGen allele CA16618660.

ClinVar aggregate classification (germline): Uncertain significance (1 of 4 stars; one submission).

Allele frequency attached by ClinVar (database versions not stated): gnomAD exomes below 0.00001.
gnomAD v4.1: 2 of 1,613,382 alleles (0.00012%); highest among the groups gnomAD compares: Non-Finnish European, 0.00017%; no homozygotes.

Submission:

GeneDx
Classification: Uncertain significance. Last evaluated: 2018-03-02. Review status: criteria provided, single submitter. Criteria: GeneDx Variant Classification (06012015). Collection method: clinical testing. Allele origin: germline. Affected: yes.
Comment: The R1053C variant in the CHD7 gene has not been reported previously as a pathogenic variant, nor as a benign variant, to our knowledge. The R1053C variant was not observed in approximately 6,000 individuals of European and African American ancestry in the NHLBI Exome Sequencing Project, indicating it is not a common benign variant in these populations. The R1053C variant is a non-conservative amino acid substitution, which is likely to impact secondary protein structure as these residues differ in polarity, charge, size and/or other properties. This substitution occurs at a position that is conserved across species. In silico analysis predicts this variant is probably damaging to the protein structure/function. We interpret R1053C as a variant of uncertain significance